The following is an entry in ClinVar:

ClinVar aggregate classification (germline): Likely pathogenic (1 of 4 stars; one submission).

Conditions:
Cornelia de Lange syndrome 5 (CDLS5). Also called: HDAC8-Related Cornelia de Lange Syndrome. Identifiers: Orphanet 199, MedGen C3550903, MONDO:0010471, OMIM 300882.

Submissions (4):

3billion
Classification: Likely pathogenic for Cornelia de Lange syndrome 5. Last evaluated: 2025-12-25. Review status: criteria provided, single submitter. Criteria: ACMG Guidelines, 2015. Collection method: clinical testing. Allele origin: germline. Affected: yes.
Comment: The variant is not observed in the gnomAD v4.1.0 dataset. Predicted Consequence/Location: Stop-gained (nonsense): predicted to result in a loss or disruption of normal protein function through nonsense-mediated decay (NMD) or protein truncation. Multiple pathogenic variants are reported downstream of the variant. Therefore, this variant is classified as Likely pathogenic according to the recommendation of ACMG/AMP guideline.

Dr. Peter K. Rogan Lab, Western University
No classification provided (evidence only). Condition: Thyroid cancer, nonmedullary, 1. Review status: no classification provided. Collection method: in vitro. Allele origin: not applicable. Functional consequence: retained intron. Not counted in ClinVar's aggregate classification.

Dr. Peter K. Rogan Lab, Western University
No classification provided (evidence only). Condition: Thyroid cancer, nonmedullary, 1. Review status: no classification provided. Collection method: in vitro. Allele origin: not applicable. Functional consequence: retained intron. Not counted in ClinVar's aggregate classification.

Dr. Peter K. Rogan Lab, Western University
No classification provided (evidence only). Condition: Thyroid cancer, nonmedullary, 1. Review status: no classification provided. Collection method: in vitro. Allele origin: not applicable. Functional consequence: retained intron. Not counted in ClinVar's aggregate classification.

NM_018486.3(HDAC8):c.423G>A (p.Trp141Ter)

Gene: HDAC8 (histone deacetylase 8; minus strand). Cytogenetic location: Xq13.1.
Variant type: single nucleotide variant.
Coding change: c.423G>A on transcript NM_018486.3 (MANE Select); coding-DNA position 423, G replaced by A.
Protein change: p.Trp141Ter; replaces tryptophan 141 with a stop codon.
Molecular consequence: nonsense. On other transcripts: non-coding transcript variant (4), intron variant (3).
Genome position (GRCh38, 1-based): chrX:72,567,903, C>T on the plus strand (G>A on the coding strand, the complement: HDAC8 is on the minus strand). VCF-style: chrX-72567903-C-T. GRCh37 (hg19) VCF-style: chrX-71787753-C-T.
Other names: NC_000023.10:g.71787753C>T; c.423G>A, p.Trp141Ter (NM_001166419.2, NM_001166420.2, NM_001166422.2 and 5 more transcripts); c.164+4154G>A (NM_001166418.2, NM_001410728.1, NM_001166448.2); short protein forms W141*.
Identifiers: ClinVar variation 4497692 (VCV004497692.2).